The following is an entry in ClinVar:

ClinVar aggregate classification (germline): Pathogenic (1 of 4 stars; one submission).

Conditions:
X-linked agammaglobulinemia (XLA). Also called: Bruton's agammaglobulinemia; AGAMMAGLOBULINEMIA, X-LINKED, TYPE 1; IMMUNODEFICIENCY 1; Agammaglobulinemia, Bruton tyrosine kinase; Agammaglobulinemia, BTK; BTK-deficiency. Identifiers: Orphanet 229717, Orphanet 47, MedGen C0221026, MONDO:0010421, OMIM 300755.

Submission:

Institute of Human Genetics, University of Leipzig Medical Center
Classification: Pathogenic for X-linked agammaglobulinemia. Last evaluated: 2024-10-14. Review status: criteria provided, single submitter. Criteria: ACMG Guidelines, 2015. Collection method: clinical testing. Allele origin: unknown. Inheritance: X-linked recessive inheritance. Affected: yes.
Comment: Criteria applied: PVS1,PS4,PM2

NM_000061.3:c.(240+1_241-1)_(391+1_392-1)del

Gene: BTK (Bruton tyrosine kinase; minus strand).
Variant type: Deletion.
Other names: c.(240+1_241-1)_(391+1_392-1)del (NM_000061.3).
Identifiers: ClinVar variation 3376125 (VCV003376125.3).